The following is an entry in ClinVar:

ClinVar aggregate classification (germline): Conflicting classifications of pathogenicity. Review status: criteria provided, conflicting classifications (1 of 4 stars). 2 submissions from 2 submitters: Likely pathogenic (1); Uncertain significance (1). Last evaluated 2024-07-05.

Conditions:
Diarrhea 9. Identifiers: MedGen C4748517, MONDO:0032575, OMIM 618168.

Submissions (2):

Aleixo Muise Laboratory, Hospital For Sick Children
Classification: Likely pathogenic for Diarrhea 9. Last evaluated: 2024-07-05. Review status: criteria provided, single submitter. Criteria: ACMG Guidelines, 2015. Collection method: research. Allele origin: germline. Affected: yes. Observed: 1 variant allele.
Comment: PM2;PM3;PM5;PP3;PP4

GeneDx
Classification: Uncertain significance. Last evaluated: 2020-11-03. Review status: criteria provided, single submitter. Criteria: GeneDx Variant Classification (06012015). Collection method: clinical testing. Allele origin: germline. Affected: yes.
Comment: In silico analysis, which includes protein predictors and evolutionary conservation, supports a deleterious effect. In addition, in silico splice predictors suggest this variant may lead to abnormal gene splicing. In the absence of RNA/functional studies, the actual effect of this sequence change is unknown. Not observed in large population cohorts (Lek et al., 2016). We interpret G241D as a variant of uncertain significance

NM_024494.3(WNT2B):c.722G>A (p.Gly241Asp)

Gene: WNT2B (Wnt family member 2B; plus strand). Cytogenetic location: 1p13.2.
Variant type: single nucleotide variant.
Coding change: c.722G>A on transcript NM_024494.3 (MANE Select); coding-DNA position 722, G replaced by A.
Protein change: p.Gly241Asp; replaces glycine 241 with aspartic acid.
Molecular consequence: missense variant.
Genome position (GRCh38, 1-based): chr1:112,517,161, G>A. VCF-style: chr1-112517161-G-A. GRCh37 (hg19) VCF-style: chr1-113059783-G-A.
Other names: c.446G>A, p.Gly149Asp (NM_001291880.1); c.665G>A, p.Gly222Asp (NM_004185.4); short protein forms G149D, G222D, G241D.
Identifiers: ClinVar variation 984424 (VCV000984424.2), dbSNP rs1652593007, ClinGen allele CA341654450.